The following is an entry in ClinVar:

NM_003079.5(SMARCE1):c.716G>A (p.Arg239Gln)

Gene: SMARCE1 (SWI/SNF related BAF chromatin remodeling complex subunit E1; minus strand). Cytogenetic location: 17q21.2.
Variant type: single nucleotide variant.
Coding change: c.716G>A on transcript NM_003079.5 (MANE Select); coding-DNA position 716, G replaced by A.
Protein change: p.Arg239Gln; replaces arginine 239 with glutamine.
Molecular consequence: missense variant.
Genome position (GRCh38, 1-based): chr17:40,631,692, C>T on the plus strand (G>A on the coding strand, the complement: SMARCE1 is on the minus strand). VCF-style: chr17-40631692-C-T. GRCh37 (hg19) VCF-style: chr17-38787944-C-T.
Other names: short protein forms R239Q.
Identifiers: ClinVar variation 826882 (VCV000826882.12), dbSNP rs1240408861, ClinGen allele CA399364516.
Genomic context (GRCh38, chr17:40,631,692, plus strand): 5'-AATTTCCTCTTCTTCTCCTGGTGTCGTTCCTCTATTTGAAGAAGTTCAGCTTCTAGTTTT[C>T]GCTGCAAGACAGGATCAGGCTTCATAATTGTGTCTCATTTTTTAATGGTCCATACTTTCA-3'
Protein context (NP_003070.3, residues 229-249): RQVQSLMVHQ[Arg239Gln]KLEAELLQIE

ClinVar aggregate classification (germline): Uncertain significance. Review status: criteria provided, multiple submitters, no conflicts (2 of 4 stars). 2 submissions from 2 submitters: Uncertain significance (2). Last evaluated 2024-02-23.

Conditions:
Familial meningioma. Also called: Meningioma, familial, susceptibility to. Identifiers: Orphanet 263662, MedGen C3551915, MONDO:0011789, OMIM 607174.
Hereditary cancer-predisposing syndrome. Also called: Neoplastic Syndromes, Hereditary; Tumor predisposition; Hereditary neoplastic syndrome; Hereditary Cancer Syndrome. Identifiers: Orphanet 140162, MedGen C0027672, MeSH D009386, MONDO:0015356.

Allele frequency attached by ClinVar (database versions not stated): gnomAD exomes 0.00001.
gnomAD v4.1: 7 of 1,571,002 alleles (0.00045%); highest among the groups gnomAD compares: East Asian, 0.0022%; no homozygotes.

Submissions (2):

Labcorp Genetics (formerly Invitae), Labcorp
Classification: Uncertain significance for Familial meningioma. Last evaluated: 2024-02-23. Review status: criteria provided, single submitter. Criteria: Invitae Variant Classification Sherloc (09022015). Collection method: clinical testing. Allele origin: germline.
Comment: This sequence change replaces arginine, which is basic and polar, with glutamine, which is neutral and polar, at codon 239 of the SMARCE1 protein (p.Arg239Gln). The frequency data for this variant in the population databases is considered unreliable, as metrics indicate poor data quality at this position in the gnomAD database. This variant has not been reported in the literature in individuals affected with SMARCE1-related conditions. ClinVar contains an entry for this variant (Variation ID: 826882). An algorithm developed to predict the effect of missense changes on protein structure and function (PolyPhen-2) suggests that this variant is likely to be tolerated. In summary, the available evidence is currently insufficient to determine the role of this variant in disease. Therefore, it has been classified as a Variant of Uncertain Significance.

Ambry Genetics
Classification: Uncertain significance for Hereditary cancer-predisposing syndrome. Last evaluated: 2021-11-10. Review status: criteria provided, single submitter. Criteria: Ambry Variant Classification Scheme 2023. Collection method: clinical testing. Allele origin: germline.
Comment: The p.R239Q variant (also known as c.716G>A), located in coding exon 8 of the SMARCE1 gene, results from a G to A substitution at nucleotide position 716. The arginine at codon 239 is replaced by glutamine, an amino acid with highly similar properties. This amino acid position is highly conserved in available vertebrate species. In addition, the in silico prediction for this alteration is inconclusive. Since supporting evidence is limited at this time, the clinical significance of this alteration remains unclear.